The following is an entry in ClinVar:

ClinVar aggregate classification (germline): Likely pathogenic (1 of 4 stars; one submission).

Conditions:
Mitochondrial complex I deficiency, nuclear type 4. Also called: Mitochondrial complex 1 deficiency, nuclear type 4. Identifiers: MedGen C4748753, MONDO:0032609, OMIM 618225.

Submission:

Neuberg Centre For Genomic Medicine, NCGM
Classification: Likely pathogenic for Mitochondrial complex I deficiency, nuclear type 4. Last evaluated: 2023-05-20. Review status: criteria provided, single submitter. Criteria: ACMG Guidelines, 2015. Collection method: clinical testing. Allele origin: germline. Inheritance: Autosomal recessive inheritance. Affected: yes.
Comment: The frameshift variant c.450dup (p.Ala151ArgfsTer15) in the NDUFV1 gene has not been reported previously as a pathogenic variant nor as a benign variant, to our knowledge. The variant is absent in the gnomAD Exomes. This variant causes a frameshift starting with codon Alanine 151, changes this amino acid to Arginine residue, and creates a premature Stop codon at position 15 of the new reading frame. This variant is predicted to cause a loss of normal protein function through protein truncation. Loss of function variants has been previously reported to be disease-causing (Zhang et al., 2021). For these reasons, this variant has been classified as Likely Pathogenic.

NM_007103.4(NDUFV1):c.450dup (p.Ala151fs)

Gene: NDUFV1 (NADH:ubiquinone oxidoreductase core subunit V1; plus strand). Cytogenetic location: 11q13.2.
Variant type: Duplication.
Coding change: c.450dup on transcript NM_007103.4 (MANE Select); coding-DNA position 450, one base duplicated (C; older notation c.450dupC).
Protein change: p.Ala151fs; shifts the reading frame from alanine 151.
Molecular consequence: frameshift variant.
Genome position (GRCh38, 1-based): chr11:67,609,575, C duplicated. VCF-style (leftmost placement, unchanged base first): chr11-67609574-G-GC. GRCh37 (hg19) VCF-style: chr11-67377045-G-GC.
Other names: c.423dup, p.Ala142fs (NM_001166102.2); short protein forms A142fs, A151fs.
Identifiers: ClinVar variation 3341354 (VCV003341354.1).